The following is an entry in ClinVar:

NM_001375524.1(TRRAP):c.28A>G (p.Thr10Ala)

Gene: TRRAP (transformation/transcription domain associated protein; plus strand). Cytogenetic location: 7q22.1.
Variant type: single nucleotide variant.
Coding change: c.28A>G on transcript NM_001375524.1 (MANE Select); coding-DNA position 28, A replaced by G.
Protein change: p.Thr10Ala; replaces threonine 10 with alanine.
Molecular consequence: missense variant.
Genome position (GRCh38, 1-based): chr7:98,881,178, A>G. VCF-style: chr7-98881178-A-G. GRCh37 (hg19) VCF-style: chr7-98478801-A-G.
Other names: c.28A>G, p.Thr10Ala (NM_001244580.2, NM_003496.4); c.28A>G (NM_001244580.1); short protein forms T10A.
Identifiers: ClinVar variation 3011466 (VCV003011466.4), dbSNP rs1795411344, ClinGen allele CA368300835.
Genomic context (GRCh38, chr7:98,881,178, plus strand): 5'-TTCTCTTGAGAAGCAAACCAGCCCAAAAGAAAAATGGCGTTTGTTGCAACACAGGGGGCC[A>G]CGGTGGTTGACCAGACCACTTTGATGAAAAAGTACCTTCAGTTTGTGGCAGCTCTCACAG-3'
Protein context (NP_001362453.1, residues 1-20): MAFVATQGA[Thr10Ala]VVDQTTLMKK

ClinVar aggregate classification (germline): Uncertain significance. Review status: criteria provided, multiple submitters, no conflicts (2 of 4 stars). 2 submissions from 2 submitters: Uncertain significance (2). Last evaluated 2025-08-14.

Conditions:
Inborn genetic diseases. Identifiers: MedGen C0950123, MeSH D030342.

Allele frequency attached by ClinVar (database versions not stated): TOPMed 0.00001.

Submissions (2):

Ambry Genetics
Classification: Uncertain significance for Inborn genetic diseases. Last evaluated: 2025-08-14. Review status: criteria provided, single submitter. Criteria: Ambry Variant Classification Scheme 2023. Collection method: clinical testing. Allele origin: germline.

Labcorp Genetics (formerly Invitae), Labcorp
Classification: Uncertain significance. Last evaluated: 2024-07-29. Review status: criteria provided, single submitter. Criteria: Invitae Variant Classification Sherloc (09022015). Collection method: clinical testing. Allele origin: germline.
Comment: This sequence change replaces threonine, which is neutral and polar, with alanine, which is neutral and non-polar, at codon 10 of the TRRAP protein (p.Thr10Ala). This variant is not present in population databases (gnomAD no frequency). This variant has not been reported in the literature in individuals affected with TRRAP-related conditions. An algorithm developed to predict the effect of missense changes on protein structure and function (PolyPhen-2) suggests that this variant is likely to be tolerated. In summary, the available evidence is currently insufficient to determine the role of this variant in disease. Therefore, it has been classified as a Variant of Uncertain Significance.